The following is an entry in ClinVar:

NM_006514.4(SCN10A):c.166G>T (p.Asp56Tyr)

Gene: SCN10A (sodium voltage-gated channel alpha subunit 10; minus strand). Cytogenetic location: 3p22.2.
Variant type: single nucleotide variant.
Coding change: c.166G>T on transcript NM_006514.4 (MANE Select); coding-DNA position 166, G replaced by T.
Protein change: p.Asp56Tyr; replaces aspartic acid 56 with tyrosine.
Molecular consequence: missense variant.
Genome position (GRCh38, 1-based): chr3:38,793,845, C>A on the plus strand (G>T on the coding strand, the complement: SCN10A is on the minus strand). VCF-style: chr3-38793845-C-A. GRCh37 (hg19) VCF-style: chr3-38835336-C-A.
Other names: c.166G>T, p.Asp56Tyr (NM_001293306.2, NM_001293307.2); short protein forms D56Y.
Identifiers: ClinVar variation 5018334 (VCV005018334.1).
Genomic context (GRCh38, chr3:38,793,845, plus strand): 5'-CGATCAGTTCTGCTGGGAGCTCACCATAGAACTTGGGCAGCTGGTTGCAGGCTTTCAAGT[C>A]CAGCTGGGGCCGAGGCTTCTCTTCTTGGTCCTTCTGCTCCCTATGCTTCTCTCTGGCTTT-3'
Protein context (NP_006505.4, residues 46-66): DQEEKPRPQL[Asp56Tyr]LKACNQLPKF

ClinVar aggregate classification (germline): Uncertain significance (1 of 4 stars; one submission).

gnomAD v4.1: 1 of 1,614,058 alleles (0.000062%); highest among the groups gnomAD compares: African/African-American, 0.0013%; no homozygotes.

Submission:

GeneDx
Classification: Uncertain significance. Last evaluated: 2026-04-08. Review status: criteria provided, single submitter. Criteria: GeneDx Variant Classification Process June 2021. Collection method: clinical testing. Allele origin: germline.
Comment: Not observed at significant frequency in large population cohorts (gnomAD); In silico analysis supports that this missense variant has a deleterious effect on protein structure/function; Has not been previously published as pathogenic or benign to our knowledge